The following is an entry in ClinVar:

NM_001195263.2(PDZD7):c.2342_2343insTAGCCGCAGCCGCAGCCG (p.Ser784_Ser785insArgSerArgSerArgSer)

Gene: PDZD7 (PDZ domain containing 7; minus strand). Cytogenetic location: 10q24.31.
Variant type: Microsatellite.
Coding change: c.2342_2343insTAGCCGCAGCCGCAGCCG on transcript NM_001195263.2 (MANE Select); coding-DNA positions 2342 to 2343, TAGCCGCAGCCGCAGCCG inserted.
Protein change: p.Ser784_Ser785insArgSerArgSerArgSer.
Molecular consequence: inframe insertion.
Genome position: GRCh38 VCF-style: chr10-101010546-G-GCGGCTGCGGCTGCGGCTA. GRCh37 (hg19) VCF-style: chr10-102770303-G-GCGGCTGCGGCTGCGGCTA.
Identifiers: ClinVar variation 1927433 (VCV001927433.5), dbSNP rs1852359465.

ClinVar aggregate classification (germline): Uncertain significance (1 of 4 stars; one submission).

Submission:

Labcorp Genetics (formerly Invitae), Labcorp
Classification: Uncertain significance. Last evaluated: 2024-02-19. Review status: criteria provided, single submitter. Criteria: Invitae Variant Classification Sherloc (09022015). Collection method: clinical testing. Allele origin: germline.
Comment: This variant, c.2342_2343insTAGCCGCAGCCGCAGCCG, results in the insertion of 6 amino acid(s) of the PDZD7 protein (p.Arg779_Ser784dup), but otherwise preserves the integrity of the reading frame. This variant is not present in population databases (gnomAD no frequency). This variant has not been reported in the literature in individuals affected with PDZD7-related conditions. Experimental studies and prediction algorithms are not available or were not evaluated, and the functional significance of this variant is currently unknown. In summary, the available evidence is currently insufficient to determine the role of this variant in disease. Therefore, it has been classified as a Variant of Uncertain Significance.